The following is an entry in ClinVar:

ClinVar aggregate classification (germline): Pathogenic (1 of 4 stars; one submission).

Submission:

Labcorp Genetics (formerly Invitae), Labcorp
Classification: Pathogenic. Last evaluated: 2021-12-14. Review status: criteria provided, single submitter. Criteria: Invitae Variant Classification Sherloc (09022015). Collection method: clinical testing. Allele origin: germline.
Comment: This variant results in a copy number gain of the genomic region encompassing exon(s) 4-8 of the PHEX gene. While the exact position of this variant cannot be determined from the data, sub-genic copy number gains are generally in tandem (PMID: 25640679). This variant is predicted to be out-of-frame, and may result in an absent or disrupted protein product. Loss-of-function variants in PHEX are known to be pathogenic (PMID: 9097956, 9106524, 19219621). A similar copy number variant has been observed in individual(s) with X-linked hypophosphatemia (Invitae). For these reasons, this variant has been classified as Pathogenic.

Literature cited by the submitters: PubMed 25640679; PubMed 9097956; PubMed 9106524; PubMed 19219621.

NC_000023.10:g.(?_22094486)_(22115176_?)dup

Gene: PHEX (phosphate regulating endopeptidase X-linked; plus strand). Cytogenetic location: Xp22.11.
Variant type: Duplication.
Identifiers: ClinVar variation 2423112 (VCV002423112.4).